The following is an entry in ClinVar:

NM_001754.5(RUNX1):c.647C>T (p.Pro216Leu)

Gene: RUNX1 (RUNX family transcription factor 1; minus strand). Cytogenetic location: 21q22.12.
Variant type: single nucleotide variant.
Coding change: c.647C>T on transcript NM_001754.5 (MANE Select); coding-DNA position 647, C replaced by T.
Protein change: p.Pro216Leu; replaces proline 216 with leucine.
Molecular consequence: missense variant.
Genome position (GRCh38, 1-based): chr21:34,834,568, G>A on the plus strand (C>T on the coding strand, the complement: RUNX1 is on the minus strand). VCF-style: chr21-34834568-G-A. GRCh37 (hg19) VCF-style: chr21-36206865-G-A.
Other names: NM_001754.5(RUNX1):c.647C>T; p.Pro216Leu; c.566C>T, p.Pro189Leu (NM_001001890.3, NM_001122607.2); short protein forms P189L, P216L.
Identifiers: ClinVar variation 949591 (VCV000949591.9), dbSNP rs773743843, ClinGen allele CA10014387.
Genomic context (GRCh38, chr21:34,834,568, plus strand): 5'-ATGGCTGTGCGCCGCAGCTGCTCCAGTTCACTGAGCCGCTCGGAAAAGGACAAGCTCCCG[G>A]GCTTGGTCTGATCATCTAGTTTCTGCCGATGTCCTATTGTGGGGAGCAGGGAGGGGAGGG-3'
Protein context (NP_001745.2, residues 206-226): HRQKLDDQTK[Pro216Leu]GSLSFSERLS

ClinVar aggregate classification (germline): Uncertain significance. Review status: reviewed by expert panel (3 of 4 stars). 3 submissions from 3 submitters: Uncertain significance (1). 2 of the submissions do not count toward it. Last evaluated 2024-07-25.

Conditions:
Hereditary thrombocytopenia and hematological cancer predisposition syndrome associated with RUNX1. Also called: PLATELET DISORDER, ASPIRIN-LIKE; Familial Platelet Disorder with Propensity to Acute Myelogenous Leukemia; Familial thrombocytopenia with propensity to acute myelogenous leukemia; RUNX1 Familial Platelet Disorder with Associated Myeloid Malignancies. Identifiers: Orphanet 71290, MedGen C1832388, MeSH C563324, MONDO:0100083, OMIM 601399.
Inborn genetic diseases. Identifiers: MedGen C0950123, MeSH D030342.

Allele frequency attached by ClinVar (database versions not stated): gnomAD exomes 0.00001; ExAC 0.00002; gnomAD 0.00002; TOPMed 0.00002.
gnomAD v4.1: 7 of 1,612,372 alleles (0.00043%); highest among the groups gnomAD compares: Non-Finnish European, 0.00059%; no homozygotes.

Submissions (3):

ClinGen Myeloid Malignancy Variant Curation Expert Panel
Classification: Uncertain significance for Hereditary thrombocytopenia and hematological cancer predisposition syndrome associated with RUNX1. Last evaluated: 2024-07-25. Review status: reviewed by expert panel. Criteria: ClinGen MyeloMalig ACMG Specifications v2. Collection method: curation. Allele origin: germline. Inheritance: Autosomal dominant inheritance.
Comment: NM_001754.5(RUNX1):c.647C>T (p.Pro216Leu) is a missense variant which does not meet any ACMG/AMP criteria. In summary, the clinical significance of this variant is uncertain. ACMG/AMP criteria applied, as specified by the Myeloid Malignancy Variant Curation Expert Panel for RUNX1: None.

Labcorp Genetics (formerly Invitae), Labcorp
Classification: Uncertain significance for Hereditary thrombocytopenia and hematological cancer predisposition syndrome associated with RUNX1. Last evaluated: 2025-06-08. Review status: criteria provided, single submitter. Criteria: Invitae Variant Classification Sherloc (09022015). Collection method: clinical testing. Allele origin: germline. Not counted in ClinVar's aggregate classification.
Comment: This sequence change replaces proline, which is neutral and non-polar, with leucine, which is neutral and non-polar, at codon 216 of the RUNX1 protein (p.Pro216Leu). This variant is present in population databases (rs773743843, gnomAD 0.003%). This variant has not been reported in the literature in individuals affected with RUNX1-related conditions. ClinVar contains an entry for this variant (Variation ID: 949591). Invitae Evidence Modeling of protein sequence and biophysical properties (such as structural, functional, and spatial information, amino acid conservation, physicochemical variation, residue mobility, and thermodynamic stability) has been performed for this missense variant. However, the output from this modeling did not meet the statistical confidence thresholds required to predict the impact of this variant on RUNX1 protein function. In summary, the available evidence is currently insufficient to determine the role of this variant in disease. Therefore, it has been classified as a Variant of Uncertain Significance.

Ambry Genetics
Classification: Uncertain significance for Inborn genetic diseases. Last evaluated: 2025-03-07. Review status: criteria provided, single submitter. Criteria: Ambry Variant Classification Scheme 2023. Collection method: clinical testing. Allele origin: germline. Not counted in ClinVar's aggregate classification.
Comment: The p.P216L variant (also known as c.647C>T), located in coding exon 6 of the RUNX1 gene, results from a C to T substitution at nucleotide position 647. The proline at codon 216 is replaced by leucine, an amino acid with similar properties. This amino acid position is well conserved in available vertebrate species. In addition, the in silico prediction for this alteration is inconclusive. Based on the available evidence, the clinical significance of this variant remains unclear.